The following is an entry in ClinVar:

ClinVar aggregate classification (germline): Conflicting classifications of pathogenicity. Review status: criteria provided, conflicting classifications (1 of 4 stars). 4 submissions from 4 submitters: Uncertain significance (2); Likely benign (2). Last evaluated 2024-05-08.

Conditions:
Hereditary cancer-predisposing syndrome. Also called: Hereditary neoplastic syndrome; Tumor predisposition; Hereditary Cancer Syndrome; Neoplastic Syndromes, Hereditary. Identifiers: Orphanet 140162, MedGen C0027672, MeSH D009386, MONDO:0015356.
Hereditary breast ovarian cancer syndrome. Also called: BRCA1- and BRCA2-Associated Hereditary Breast and Ovarian Cancer; Hereditary breast and ovarian cancer syndrome (HBOC); Hereditary breast and/or ovarian cancer syndrome; Hereditary breast and ovarian cancer syndrome; Hereditary breast and ovarian cancer; Breast and ovarian cancer. Identifiers: Orphanet 145, MedGen C0677776, MeSH D061325, MONDO:0003582. Disease mechanism: loss of function.

Allele frequency attached by ClinVar (database versions not stated): gnomAD exomes below 0.00001 and 0.00001; ExAC 0.00002.
gnomAD v4.1: 1 of 1,613,434 alleles (0.000062%); highest among the groups gnomAD compares: East Asian, 0.0022%; no homozygotes.

Submissions (4):

Ambry Genetics
Classification: Uncertain significance for Hereditary cancer-predisposing syndrome. Last evaluated: 2024-05-08. Review status: criteria provided, single submitter. Criteria: Ambry Variant Classification Scheme 2023. Collection method: clinical testing. Allele origin: germline.
Comment: The p.E1482G variant (also known as c.4445A>G), located in coding exon 10 of the BRCA2 gene, results from an A to G substitution at nucleotide position 4445. The glutamic acid at codon 1482 is replaced by glycine, an amino acid with similar properties. This amino acid position is not well conserved in available vertebrate species. In addition, this alteration is predicted to be tolerated by in silico analysis. Since supporting evidence is limited at this time, the clinical significance of this alteration remains unclear.

Labcorp Genetics (formerly Invitae), Labcorp
Classification: Likely benign for Hereditary breast ovarian cancer syndrome. Last evaluated: 2024-04-10. Review status: criteria provided, single submitter. Criteria: Invitae Variant Classification Sherloc (09022015). Collection method: clinical testing. Allele origin: germline.

Color Diagnostics, LLC DBA Color Health
Classification: Uncertain significance for Hereditary cancer-predisposing syndrome. Last evaluated: 2024-01-30. Review status: criteria provided, single submitter. Criteria: ACMG Guidelines, 2015. Collection method: clinical testing. Allele origin: germline.
Comment: This missense variant replaces glutamic acid with glycine at codon 1482 of the BRCA2 protein. Computational prediction suggests that this variant may not impact protein structure and function. To our knowledge, functional studies have not been reported for this variant. In a large breast cancer case-control study conducted by the BRIDGES consortium, this variant was reported in 2/60466 cases and 0/53461 controls, showing inconclusive association with disease (p-value=0.502) (PMID: 33471991; Leiden Open Variation Database DB-ID BRCA2_008209). This variant has been identified in 2/250004 chromosomes in the general population by the Genome Aggregation Database (gnomAD). The available evidence is insufficient to determine the role of this variant in disease conclusively. Therefore, this variant is classified as a Variant of Uncertain Significance.

University of Washington Department of Laboratory Medicine, University of Washington
Classification: Likely benign for Hereditary cancer-predisposing syndrome. Last evaluated: 2023-03-23. Review status: criteria provided, single submitter. Criteria: Dines et al. (Genet Med. 2020). Collection method: curation. Allele origin: germline.
Comment: Missense variant in a coldspot region where missense variants are very unlikely to be pathogenic (PMID:31911673).

BRCA2 exon 11 coldspot. Reclassification based on statistical prior probability.

Literature cited by the submitters: PubMed 33471991 (cited by Color Diagnostics, LLC DBA Color Health).

NM_000059.4(BRCA2):c.4445A>G (p.Glu1482Gly)

Gene: BRCA2 (BRCA2 DNA repair associated; plus strand). Cytogenetic location: 13q13.1.
Variant type: single nucleotide variant.
Coding change: c.4445A>G on transcript NM_000059.4 (MANE Select); coding-DNA position 4445, A replaced by G.
Protein change: p.Glu1482Gly; replaces glutamic acid 1482 with glycine.
Molecular consequence: missense variant.
Genome position (GRCh38, 1-based): chr13:32,338,800, A>G. VCF-style: chr13-32338800-A-G. GRCh37 (hg19) VCF-style: chr13-32912937-A-G.
Other names: short protein forms E1482G.
Identifiers: ClinVar variation 219934 (VCV000219934.16), dbSNP rs775234705, ClinGen allele CA350844.